The following is an entry in ClinVar:

NM_005219.5(DIAPH1):c.1821TCC[14] (p.Pro618_Pro620dup)

Gene: DIAPH1 (diaphanous related formin 1; minus strand). Cytogenetic location: 5q31.3.
Variant type: Microsatellite.
Coding change: c.1821TCC[14] on transcript NM_005219.5 (MANE Select); 14 copies in a row of the 3-base unit TCC starting at c.1821; the reference has 11 copies in a row; three copies, 9 bases duplicated; also written c.1845_1853dup.
Protein change: p.Pro618_Pro620dup.
Molecular consequence: inframe insertion.
Genome position (GRCh38, 1-based): chr5:141,573,997-141,574,005, GGAGGAGGA duplicated on the plus strand (TCCTCCTCC on the coding strand, the reverse complement: DIAPH1 is on the minus strand); duplicating any 9 consecutive bases within chr5:141,573,997-141,574,030 gives the same sequence; the position shown is the placement nearest the transcript's 3' end. VCF-style (leftmost placement, unchanged base first): chr5-141573996-T-TGGAGGAGGA. GRCh37 (hg19) VCF-style: chr5-140953563-T-TGGAGGAGGA.
Other names: p.Pro618_Pro620dup; c.1845_1853dup (NM_005219.5); c.1845_1853dup9 (NM_005219.4); c.1794TCC[14], p.Pro609_Pro611dup (NM_001079812.3); c.1821TCC[14], p.Pro618_Pro620dup (NM_001314007.2).
Identifiers: ClinVar variation 542361 (VCV000542361.15), dbSNP rs3075570, ClinGen allele CA563502799.

ClinVar aggregate classification (germline): Conflicting classifications of pathogenicity. Review status: criteria provided, conflicting classifications (1 of 4 stars). 6 submissions from 6 submitters: Uncertain significance (2); Likely benign (3). 1 of the submissions does not count toward it. Last evaluated 2025-06-10.

Conditions:
Progressive microcephaly-seizures-cortical blindness-developmental delay syndrome. Also called: Seizures, cortical blindness, and microcephaly syndrome. Identifiers: Orphanet 477814, MedGen C5567650, MONDO:0014714, OMIM 616632.
Autosomal dominant nonsyndromic hearing loss 1. Also called: DEAFNESS, AUTOSOMAL DOMINANT 1, WITH OR WITHOUT THROMBOCYTOPENIA; KONIGSMARK SYNDROME. Identifiers: Orphanet 90635, MedGen C1852282, MONDO:0007424, OMIM 124900.
Inborn genetic diseases. Identifiers: MedGen C0950123, MeSH D030342.
DIAPH1-related disorder. Also called: DIAPH1-related condition.

Submissions (6):

Mayo Clinic Laboratories, Mayo Clinic
Classification: Likely benign. Last evaluated: 2025-06-10. Review status: criteria provided, single submitter. Criteria: ACMG Guidelines, 2015. Collection method: clinical testing. Allele origin: germline. Observed: 2 variant alleles.
Comment: BS1, BP3

Blueprint Genetics
Classification: Likely benign. Last evaluated: 2024-11-25. Review status: criteria provided, single submitter. Criteria: ACMG Guidelines, 2015. Collection method: clinical testing. Allele origin: germline.

Ambry Genetics
Classification: Likely benign for Inborn genetic diseases. Last evaluated: 2023-10-26. Review status: criteria provided, single submitter. Criteria: Ambry Variant Classification Scheme 2023. Collection method: clinical testing. Allele origin: germline.

Labcorp Genetics (formerly Invitae), Labcorp
Classification: Uncertain significance for Progressive microcephaly-seizures-cortical blindness-developmental delay syndrome; Autosomal dominant nonsyndromic hearing loss 1. Last evaluated: 2020-11-12. Review status: criteria provided, single submitter. Criteria: Invitae Variant Classification Sherloc (09022015). Collection method: clinical testing. Allele origin: germline.
Comment: In summary, the available evidence is currently insufficient to determine the role of this variant in disease. Therefore, it has been classified as a Variant of Uncertain Significance. Experimental studies and prediction algorithms are not available for this variant, and the functional significance of the duplicated amino acids is currently unknown. This variant has not been reported in the literature in individuals with DIAPH1-related disease. ClinVar contains an entry for this variant (Variation ID: 542361). This variant is not present in population databases (ExAC no frequency). This variant, c.1845_1853dupTCCTCCTCC, results in the insertion of 3 amino acids to the DIAPH1 protein (p.Pro618_Pro620dup), but otherwise preserves the integrity of the reading frame.

Breakthrough Genomics
Classification: Uncertain significance. Review status: criteria provided, single submitter. Criteria: ACMG Guidelines, 2015. Collection method: not provided. Allele origin: germline. Inheritance: Autosomal recessive inheritance. Affected: yes.

PreventionGenetics, part of Exact Sciences
Classification: Likely benign for DIAPH1-related condition. Last evaluated: 2019-06-26. Review status: no assertion criteria provided. Collection method: clinical testing. Allele origin: germline. Not counted in ClinVar's aggregate classification.
Comment: This variant is classified as likely benign based on ACMG/AMP sequence variant interpretation guidelines (Richards et al. 2015 PMID: 25741868, with internal and published modifications).